The following is an entry in ClinVar:

NM_001127222.2(CACNA1A):c.6527G>T (p.Gly2176Val)

Gene: CACNA1A (calcium voltage-gated channel subunit alpha1 A; minus strand). Cytogenetic location: 19p13.13.
Variant type: single nucleotide variant.
Coding change: c.6527G>T on transcript NM_001127222.2 (MANE Select); coding-DNA position 6527, G replaced by T.
Protein change: p.Gly2176Val; replaces glycine 2176 with valine.
Molecular consequence: missense variant.
Genome position (GRCh38, 1-based): chr19:13,209,009, C>A on the plus strand (G>T on the coding strand, the complement: CACNA1A is on the minus strand). VCF-style: chr19-13209009-C-A. GRCh37 (hg19) VCF-style: chr19-13319823-C-A.
Other names: c.6545G>T, p.Gly2182Val (NM_000068.4, NM_023035.3); c.6530G>T, p.Gly2177Val (NM_001127221.2); c.6536G>T, p.Gly2179Val (NM_001174080.2); short protein forms G2177V, G2176V, G2179V, G2182V.
Identifiers: ClinVar variation 424463 (VCV000424463.24), dbSNP rs763045560, ClinGen allele CA9239333.

ClinVar aggregate classification (germline): Uncertain significance. Review status: criteria provided, multiple submitters, no conflicts (2 of 4 stars). 7 submissions from 7 submitters: Uncertain significance (7). Last evaluated 2025-10-01.

Conditions:
Inborn genetic diseases. Identifiers: MedGen C0950123, MeSH D030342.
Undetermined early-onset epileptic encephalopathy. Identifiers: Orphanet 442835, MedGen C5680057, MONDO:0018614.
Episodic ataxia type 2 (EA2). Also called: ATAXIA, EPISODIC, WITH NYSTAGMUS; ATAXIA, FAMILIAL PAROXYSMAL; CEREBELLAR ATAXIA, PAROXYSMAL, ACETAZOLAMIDE-RESPONSIVE; CEREBELLOPATHY, HEREDITARY PAROXYSMAL; EPISODIC ATAXIA, NYSTAGMUS-ASSOCIATED; ACETAZOLAMIDE-RESPONSIVE HEREDITARY PAROXYSMAL CEREBELLAR ATAXIA. Identifiers: Orphanet 97, MedGen C1720416, MONDO:0007163, OMIM 108500.
Developmental and epileptic encephalopathy, 42 (DEE42A). Also called: Epileptic encephalopathy, early infantile, 42; DEVELOPMENTAL AND EPILEPTIC ENCEPHALOPATHY 42A; EPILEPTIC ENCEPHALOPATHY, EARLY INFANTILE, 42A. Identifiers: MedGen C4310716, MONDO:0014917, OMIM 617106.

Allele frequency attached by ClinVar (database versions not stated): TOPMed 0.00003; gnomAD 0.00005 and 0.00008; ExAC 0.00006.
gnomAD v4.1: 11 of 1,536,958 alleles (0.00072%); highest among the groups gnomAD compares: Admixed American, 0.016%; no homozygotes.

Submissions (7):

GeneDx
Classification: Uncertain significance. Last evaluated: 2025-10-01. Review status: criteria provided, single submitter. Criteria: GeneDx Variant Classification Process June 2021. Collection method: clinical testing. Allele origin: germline. Affected: yes.
Comment: Not observed at significant frequency in large population cohorts (gnomAD); In silico analysis supports that this missense variant has a deleterious effect on protein structure/function; Has not been previously published as pathogenic or benign to our knowledge

Labcorp Genetics (formerly Invitae), Labcorp
Classification: Uncertain significance for Developmental and epileptic encephalopathy, 42; Episodic ataxia type 2. Last evaluated: 2025-08-18. Review status: criteria provided, single submitter. Criteria: Invitae Variant Classification Sherloc (09022015). Collection method: clinical testing. Allele origin: germline.
Comment: This sequence change replaces glycine, which is neutral and non-polar, with valine, which is neutral and non-polar, at codon 2177 of the CACNA1A protein (p.Gly2177Val). This variant is not present in population databases (gnomAD no frequency). This variant has not been reported in the literature in individuals affected with CACNA1A-related conditions. ClinVar contains an entry for this variant (Variation ID: 424463). An algorithm developed to predict the effect of missense changes on protein structure and function (PolyPhen-2) suggests that this variant is likely to be disruptive. In summary, the available evidence is currently insufficient to determine the role of this variant in disease. Therefore, it has been classified as a Variant of Uncertain Significance.

ARUP Laboratories, Molecular Genetics and Genomics, ARUP Laboratories
Classification: Uncertain significance. Last evaluated: 2024-11-14. Review status: criteria provided, single submitter. Criteria: ARUP Molecular Germline Variant Investigation Process 2024. Collection method: clinical testing. Allele origin: germline.
Comment: The CACNA1A c.6530G>T; p.Gly2177Val variant (rs763045560), to our knowledge, is not reported in the medical literature but is reported in ClinVar (Variation ID: 424463). This variant is absent from the Genome Aggregation Database (v2.1.1), indicating it is not a common polymorphism. Computational analyses are uncertain whether this variant is neutral or deleterious (REVEL: 0.499). However, this variant is located at the end of an exon and computational analyses (Alamut Visual Plus v.1.11) predict that this variant may impact splicing by weakening the nearby canonical acceptor splice site. However, given the lack of clinical and functional data, the significance of this variant is uncertain at this time.

Blueprint Genetics
Classification: Uncertain significance. Last evaluated: 2024-11-07. Review status: criteria provided, single submitter. Criteria: ACMG Guidelines, 2015. Collection method: clinical testing. Allele origin: germline.

Molecular Genetics, Royal Melbourne Hospital
Classification: Uncertain significance for Undetermined early-onset epileptic encephalopathy. Last evaluated: 2024-01-05. Review status: criteria provided, single submitter. Criteria: ACMG Guidelines, 2015. Collection method: clinical testing. Allele origin: germline. Inheritance: Autosomal dominant inheritance.
Comment: This sequence change in CACNA1A is predicted to replace glycine with valine at codon 2176, p.(Gly2176Val). The glycine residue is moderately conserved (100 vertebrates, Multiz Alignments), and is located in the cytoplasmic domain. There is a large physicochemical difference between glycine and valine. The highest population minor allele frequency in the population database gnomAD v4.0 is 0.016% (8/50,972 alleles) in the Admixed American population. To our knowledge, this variant has not been previously reported in the relevant scientific literature. Computational evidence is uninformative for the missense substitution (REVEL = 0.499). Based on the classification scheme RMH Modified ACMG Guidelines v1.6.1, this variant is classified as a VARIANT OF UNCERTAIN SIGNIFICANCE. Following criteria are met: none.

Victorian Clinical Genetics Services, Murdoch Childrens Research Institute
Classification: Uncertain significance for Developmental and epileptic encephalopathy, 42. Last evaluated: 2022-02-02. Review status: criteria provided, single submitter. Criteria: ACMG Guidelines, 2015. Collection method: clinical testing. Allele origin: germline. Inheritance: Autosomal dominant inheritance.
Comment: Based on the classification scheme VCGS_Germline_v1.3.4, this variant is classified as VUS-3C. Following criteria are met: 0103 - Loss of function and gain of function are known mechanisms of disease in this gene and are associated with CACNA1A-related disease. Episodic ataxia, type 2 (MIM#108500) is caused by variants with a loss of function mechanism (PMID: 28566750). (I) 0107 - This gene is associated with autosomal dominant disease. (I) 0112 - The condition associated with this gene has incomplete penetrance. Reduced penetrance has been reported for patients with episodic ataxia, type 2 (OMIM). (I) 0115 - Variants in this gene are known to have variable expressivity. Two families with episodic ataxia, intellectual disability and/or epilepsy have been reported with intrafamilial variability (PMID: 32910250, PMID: 30142438). (I) 0200 - Variant is predicted to result in a missense amino acid change from glycine to valine. (I) 0251 - This variant is heterozygous. (I) 0302 - Variant is present in gnomAD (v3) <0.001 for a dominant condition (10 heterozygotes, 0 homozygotes). (SP) 0502 - Missense variant with conflicting in silico predictions and uninformative conservation. (I) 0604 - Variant is not located in an established domain, motif, hotspot or informative constraint region. (I) 0705 - No comparable missense variants have previous evidence for pathogenicity. (I) 0809 - Previous evidence of pathogenicity for this variant is inconclusive. It has been reported as a VUS in ClinVar. (I) 0905 - No published segregation evidence has been identified for this variant. (I) 1007 - No published functional evidence has been identified for this variant. (I) 1208 - Inheritance information for this variant is not currently available in this individual. (I) Legend: (SP) - Supporting pathogenic, (I) - Information, (SB) - Supporting benign

Ambry Genetics
Classification: Uncertain significance for Inborn genetic diseases. Last evaluated: 2019-03-12. Review status: criteria provided, single submitter. Criteria: Ambry Variant Classification Scheme 2023. Collection method: clinical testing. Allele origin: germline.
Comment: The p.G2177V variant (also known as c.6530G>T) is located in coding exon 46 of the CACNA1A gene. The glycine at codon 2177 is replaced by valine, an amino acid with dissimilar properties. This change occurs in the first base pair of coding exon 46. This amino acid position is highly conserved in available vertebrate species. In addition, the in silico prediction for this alteration is inconclusive. Since supporting evidence is limited at this time, the clinical significance of this alteration remains unclear.

Literature cited by the submitters: PubMed 25735478 (cited by Victorian Clinical Genetics Services, Murdoch Childrens Research Institute); PubMed 28566750 (cited by Victorian Clinical Genetics Services, Murdoch Childrens Research Institute); PubMed 32910250 (cited by Victorian Clinical Genetics Services, Murdoch Childrens Research Institute); PubMed 30142438 (cited by Victorian Clinical Genetics Services, Murdoch Childrens Research Institute).